The following is an entry in ClinVar:

NM_007129.5(ZIC2):c.983C>T (p.Thr328Ile)

Gene: ZIC2 (Zic family zinc finger 2; plus strand). Cytogenetic location: 13q32.3.
Variant type: single nucleotide variant.
Coding change: c.983C>T on transcript NM_007129.5 (MANE Select); coding-DNA position 983, C replaced by T.
Protein change: p.Thr328Ile; replaces threonine 328 with isoleucine.
Molecular consequence: missense variant.
Genome position (GRCh38, 1-based): chr13:99,983,047, C>T. VCF-style: chr13-99983047-C-T. GRCh37 (hg19) VCF-style: chr13-100635301-C-T.
Other names: short protein forms T328I.
Identifiers: ClinVar variation 957733 (VCV000957733.9), dbSNP rs2053244542, ClinGen allele CA388638537.

ClinVar aggregate classification (germline): Uncertain significance (1 of 4 stars; one submission).

Conditions:
Holoprosencephaly 5 (HPE5). Identifiers: Orphanet 2162, MedGen C1864827, MONDO:0012322, OMIM 609637.

Submission:

Labcorp Genetics (formerly Invitae), Labcorp
Classification: Uncertain significance for Holoprosencephaly 5. Last evaluated: 2019-11-05. Review status: criteria provided, single submitter. Criteria: Invitae Variant Classification Sherloc (09022015). Collection method: clinical testing. Allele origin: germline.
Comment: In summary, the available evidence is currently insufficient to determine the role of this variant in disease. Therefore, it has been classified as a Variant of Uncertain Significance. Algorithms developed to predict the effect of missense changes on protein structure and function (SIFT, PolyPhen-2, Align-GVGD) all suggest that this variant is likely to be disruptive, but these predictions have not been confirmed by published functional studies and their clinical significance is uncertain. This variant has not been reported in the literature in individuals with ZIC2-related conditions. This variant is not present in population databases (ExAC no frequency). This sequence change replaces threonine with isoleucine at codon 328 of the ZIC2 protein (p.Thr328Ile). The threonine residue is highly conserved and there is a moderate physicochemical difference between threonine and isoleucine.